The following is an entry in ClinVar:

ClinVar aggregate classification (germline): Uncertain significance (1 of 4 stars; one submission).

Allele frequency attached by ClinVar (database versions not stated): gnomAD exomes 0.00007 and 0.00018; ExAC 0.00010; gnomAD 0.00032 and 0.00035; TOPMed 0.00065.
gnomAD v4.1: 149 of 1,613,858 alleles (0.0092%); highest among the groups gnomAD compares: Admixed American, 0.16%; no homozygotes.

Submission:

Labcorp Genetics (formerly Invitae), Labcorp
Classification: Uncertain significance. Last evaluated: 2025-01-06. Review status: criteria provided, single submitter. Criteria: Invitae Variant Classification Sherloc (09022015). Collection method: clinical testing. Allele origin: germline.
Comment: This sequence change replaces alanine, which is neutral and non-polar, with threonine, which is neutral and polar, at codon 2709 of the FREM2 protein (p.Ala2709Thr). This variant is present in population databases (rs200378508, gnomAD 0.1%). This variant has not been reported in the literature in individuals affected with FREM2-related conditions. ClinVar contains an entry for this variant (Variation ID: 1425054). An algorithm developed to predict the effect of missense changes on protein structure and function (PolyPhen-2) suggests that this variant is likely to be disruptive. In summary, the available evidence is currently insufficient to determine the role of this variant in disease. Therefore, it has been classified as a Variant of Uncertain Significance.

NM_207361.6(FREM2):c.8125G>A (p.Ala2709Thr)

Genes: FREM2 (FRAS1 related extracellular matrix 2; plus strand), LOC130009588 (ATAC-STARR-seq lymphoblastoid silent region 5274; plus strand). Cytogenetic location: 13q13.3.
Variant type: single nucleotide variant.
Coding change: c.8125G>A on transcript NM_207361.6 (MANE Select); coding-DNA position 8125, G replaced by A.
Protein change: p.Ala2709Thr; replaces alanine 2709 with threonine.
Molecular consequence: missense variant.
Genome position (GRCh38, 1-based): chr13:38,872,883, G>A. VCF-style: chr13-38872883-G-A. GRCh37 (hg19) VCF-style: chr13-39447020-G-A.
Other names: short protein forms A2709T.
Identifiers: ClinVar variation 1425054 (VCV001425054.6), dbSNP rs200378508, ClinGen allele CA6956042.